The following is an entry in ClinVar:

ClinVar aggregate classification (germline): Uncertain significance (1 of 4 stars; one submission).

Conditions:
Brachyolmia-amelogenesis imperfecta syndrome. Also called: Tooth agenesis, selective, 6; Dental anomalies and short stature; PLATYSPONDYLY WITH AMELOGENESIS IMPERFECTA. Identifiers: Orphanet 2899, MedGen C1832594, MONDO:0011018, OMIM 601216. Disease mechanism: loss of function.

Allele frequency attached by ClinVar (database versions not stated): gnomAD exomes below 0.00001.
gnomAD v4.1: 7 of 1,613,950 alleles (0.00043%); highest among the groups gnomAD compares: East Asian, 0.0022%; no homozygotes.

Submission:

Labcorp Genetics (formerly Invitae), Labcorp
Classification: Uncertain significance for Brachyolmia-amelogenesis imperfecta syndrome. Last evaluated: 2022-11-14. Review status: criteria provided, single submitter. Criteria: Invitae Variant Classification Sherloc (09022015). Collection method: clinical testing. Allele origin: germline.
Comment: In summary, the available evidence is currently insufficient to determine the role of this variant in disease. Therefore, it has been classified as a Variant of Uncertain Significance. Algorithms developed to predict the effect of missense changes on protein structure and function are either unavailable or do not agree on the potential impact of this missense change (SIFT: "Deleterious"; PolyPhen-2: "Possibly Damaging"; Align-GVGD: "Class C0"). ClinVar contains an entry for this variant (Variation ID: 1493503). This variant has not been reported in the literature in individuals affected with LTBP3-related conditions. This variant is present in population databases (rs557335712, gnomAD 0.006%). This sequence change replaces glycine, which is neutral and non-polar, with serine, which is neutral and polar, at codon 604 of the LTBP3 protein (p.Gly604Ser).

NM_001130144.3(LTBP3):c.1810G>A (p.Gly604Ser)

Gene: LTBP3 (latent transforming growth factor beta binding protein 3; minus strand). Cytogenetic location: 11q13.1.
Variant type: single nucleotide variant.
Coding change: c.1810G>A on transcript NM_001130144.3 (MANE Select); coding-DNA position 1810, G replaced by A.
Protein change: p.Gly604Ser; replaces glycine 604 with serine.
Molecular consequence: missense variant.
Genome position (GRCh38, 1-based): chr11:65,547,956, C>T on the plus strand (G>A on the coding strand, the complement: LTBP3 is on the minus strand). VCF-style: chr11-65547956-C-T. GRCh37 (hg19) VCF-style: chr11-65315427-C-T.
Other names: c.1459G>A, p.Gly487Ser (NM_001164266.1); c.1810G>A, p.Gly604Ser (NM_021070.4); short protein forms G604S, G487S.
Identifiers: ClinVar variation 1493503 (VCV001493503.8), dbSNP rs557335712, ClinGen allele CA223964835.
Genomic context (GRCh38, chr11:65,547,956, plus strand): 5'-GCCCGCCGCCTGCCCTGCGCTCACCCACGCAGTAGCGGTGCTGGGGATGTGACCGGTAGC[C>T]GGGGTTGCAGTGGCAGGAGTAGTCAGGGGGGCCCGGCACGCACTCTCCGTGGCCACAGAT-3'
Protein context (NP_001123616.1, residues 594-614): PPDYSCHCNP[Gly604Ser]YRSHPQHRYC